The following is an entry in ClinVar:

NM_003900.5(SQSTM1):c.263C>T (p.Ser88Phe)

Gene: SQSTM1 (sequestosome 1; plus strand). Cytogenetic location: 5q35.3.
Variant type: single nucleotide variant.
Coding change: c.263C>T on transcript NM_003900.5 (MANE Select); coding-DNA position 263, C replaced by T.
Protein change: p.Ser88Phe; replaces serine 88 with phenylalanine.
Molecular consequence: missense variant.
Genome position (GRCh38, 1-based): chr5:179,823,015, C>T. VCF-style: chr5-179823015-C-T. GRCh37 (hg19) VCF-style: chr5-179250015-C-T.
Other names: p.Ser88Phe; c.11C>T, p.Ser4Phe (NM_001142298.2, NM_001142299.2); short protein forms S88F, S4F.
Identifiers: ClinVar variation 639220 (VCV000639220.20), dbSNP rs763040103, ClinGen allele CA3600430.

ClinVar aggregate classification (germline): Uncertain significance. Review status: criteria provided, multiple submitters, no conflicts (2 of 4 stars). 3 submissions from 3 submitters: Uncertain significance (3). Last evaluated 2026-01-26.

Conditions:
Paget disease of bone 2, early-onset (PDB2). Also called: Paget disease of bone 2. Identifiers: MedGen C4085251, MONDO:0011183, OMIM 602080.
Frontotemporal dementia and/or amyotrophic lateral sclerosis 1 (FTDALS1). Also called: Frontotemporal dementia with motor neuron disease 1; C9orf72 Frontotemporal Dementia and/or Amyotrophic Lateral Sclerosis. Identifiers: Orphanet 275872, MedGen C5779877, MONDO:0007105, OMIM 105550.

Allele frequency attached by ClinVar (database versions not stated): gnomAD 0.00002; TOPMed 0.00002; gnomAD exomes 0.00003; ExAC 0.00007.
gnomAD v4.1: 45 of 1,613,972 alleles (0.0028%); highest among the groups gnomAD compares: Middle Eastern, 0.016%; no homozygotes.

Submissions (3):

Labcorp Genetics (formerly Invitae), Labcorp
Classification: Uncertain significance for Paget disease of bone 2, early-onset; Frontotemporal dementia and/or amyotrophic lateral sclerosis 1. Last evaluated: 2026-01-26. Review status: criteria provided, single submitter. Criteria: Invitae Variant Classification Sherloc (09022015). Collection method: clinical testing. Allele origin: germline.
Comment: This sequence change replaces serine, which is neutral and polar, with phenylalanine, which is neutral and non-polar, at codon 88 of the SQSTM1 protein (p.Ser88Phe). This variant is present in population databases (rs763040103, gnomAD 0.006%). This missense change has been observed in individual(s) with amyotrophic lateral sclerosis (PMID: 31859009). ClinVar contains an entry for this variant (Variation ID: 639220). Invitae Evidence Modeling of protein sequence and biophysical properties (such as structural, functional, and spatial information, amino acid conservation, physicochemical variation, residue mobility, and thermodynamic stability) indicates that this missense variant is not expected to disrupt SQSTM1 protein function with a negative predictive value of 80%. In summary, the available evidence is currently insufficient to determine the role of this variant in disease. Therefore, it has been classified as a Variant of Uncertain Significance.

CeGaT Center for Human Genetics Tuebingen
Classification: Uncertain significance. Last evaluated: 2025-06-01. Review status: criteria provided, single submitter. Criteria: CeGaT Center For Human Genetics Tuebingen Variant Classification Criteria Version 2. Collection method: clinical testing. Allele origin: germline. Affected: yes. Observed: 1 variant allele.
Comment: SQSTM1: PM2:Supporting, PS4:Supporting, BP4

Mayo Clinic Laboratories, Mayo Clinic
Classification: Uncertain significance. Last evaluated: 2023-09-28. Review status: criteria provided, single submitter. Criteria: ACMG Guidelines, 2015. Collection method: clinical testing. Allele origin: germline. Observed: 1 variant allele.
Comment: BP4

Literature cited by the submitters: PubMed 31859009 (cited by Labcorp Genetics (formerly Invitae), Labcorp and Mayo Clinic Laboratories, Mayo Clinic); PubMed 25796131 (cited by Mayo Clinic Laboratories, Mayo Clinic).